The following is an entry in ClinVar:

NM_000053.4(ATP7B):c.3936C>G (p.His1312Gln)

Gene: ATP7B (ATPase copper transporting beta; minus strand). Cytogenetic location: 13q14.3.
Variant type: single nucleotide variant.
Coding change: c.3936C>G on transcript NM_000053.4 (MANE Select); coding-DNA position 3936, C replaced by G.
Protein change: p.His1312Gln; replaces histidine 1312 with glutamine.
Molecular consequence: missense variant.
Genome position (GRCh38, 1-based): chr13:51,937,361, G>C on the plus strand (C>G on the coding strand, the complement: ATP7B is on the minus strand). VCF-style: chr13-51937361-G-C. GRCh37 (hg19) VCF-style: chr13-52511497-G-C.
Other names: c.3603C>G, p.His1201Gln (NM_001243182.2); c.3702C>G, p.His1234Gln (NM_001330578.2, NM_001406527.1, NM_001406528.1); c.3684C>G, p.His1228Gln (NM_001330579.2, NM_001406531.1, NM_001406532.1); c.3936C>G, p.His1312Gln (NM_001406511.1, NM_001406512.1); c.3930C>G, p.His1310Gln (NM_001406513.1); c.3903C>G, p.His1301Gln (NM_001406514.1); c.3882C>G, p.His1294Gln (NM_001406515.1, NM_001406516.1); c.3840C>G, p.His1280Gln (NM_001406517.1, NM_001406518.1); and 21 more; short protein forms H1031Q, H1085Q, H1096Q, H1105Q, H1118Q, H1148Q, H1150Q, H1163Q.
Identifiers: ClinVar variation 3387329 (VCV003387329.1).

ClinVar aggregate classification (germline): Uncertain significance (1 of 4 stars; one submission).

Conditions:
Wilson disease (WND). Also called: Wilson's disease. Identifiers: Orphanet 905, MedGen C0019202, MONDO:0010200, OMIM 277900. Disease mechanism: loss of function.

gnomAD v4.1: 1 of 1,614,236 alleles (0.000062%); highest among the groups gnomAD compares: Non-Finnish European, 0.000085%; no homozygotes.

Submission:

All of Us Research Program, National Institutes of Health
Classification: Uncertain significance for Wilson disease. Last evaluated: 2024-04-25. Review status: criteria provided, single submitter. Criteria: ACMG Guidelines, 2015. Collection method: clinical testing. Allele origin: germline. Inheritance: Autosomal recessive inheritance. Observed: 1 variant allele, 1 heterozygote.
Comment: This missense variant replaces histidine with glutamine at codon 1312 of the ATP7B protein. Computational prediction is inconclusive regarding the impact of this variant on protein structure and function (internally defined REVEL score threshold 0.5 < inconclusive < 0.7, PMID: 27666373). To our knowledge, functional studies have not been reported for this variant. This variant has not been reported in individuals affected with ATP7B-related disorders in the literature. This variant has not been identified in the general population by the Genome Aggregation Database (gnomAD). The available evidence is insufficient to determine the role of this variant in disease conclusively. Therefore, this variant is classified as a Variant of Uncertain Significance.

This study involves interpretation of variants in research participants for the purpose of population health screening. Participant phenotype was not available at the time of variant classification. Additional details can be found in publication PMID: 35346344, PMCID: PMC8962531